The following is an entry in ClinVar:

ClinVar aggregate classification (germline): Pathogenic. Review status: criteria provided, multiple submitters, no conflicts (2 of 4 stars). 3 submissions from 3 submitters: Pathogenic (2). 1 of the submissions does not count toward it. Last evaluated 2021-04-26.

Conditions:
Neurodevelopmental disorder with structural brain anomalies and dysmorphic facies (NEDBAF). Identifiers: Orphanet 659609, MedGen C5231416, MONDO:0032820, OMIM 618577.

Submissions (3):

Genetics Laboratory, UDIAT-Centre Diagnòstic, Hospital Universitari Parc Tauli
Classification: Pathogenic. Last evaluated: 2021-04-26. Review status: criteria provided, single submitter. Criteria: Parc Tauli Hospital Assertion Criteria 2021. Collection method: clinical testing. Allele origin: unknown. Inheritance: Autosomal dominant inheritance. Affected: yes. Observed: 1 heterozygote.
Comment: PP5_very strong;PM2_supporting;PP2_supporting;PP3_supporting

CeGaT Center for Human Genetics Tuebingen
Classification: Pathogenic. Last evaluated: 2020-07-01. Review status: criteria provided, single submitter. Criteria: CeGaT Center For Human Genetics Tuebingen Variant Classification Criteria Version 2. Collection method: clinical testing. Allele origin: germline. Affected: yes. Observed: 2 variant alleles.

OMIM
Classification: Pathogenic for NEURODEVELOPMENTAL DISORDER WITH STRUCTURAL BRAIN ANOMALIES AND DYSMORPHIC FACIES. Last evaluated: 2022-11-08. Review status: no assertion criteria provided. Collection method: literature only. Allele origin: germline. Not counted in ClinVar's aggregate classification.

Literature cited by the submitters: PubMed 30293988 (cited by OMIM); PubMed 35851598 (cited by OMIM).

NM_005052.3(RAC3):c.184G>A (p.Glu62Lys)

Gene: RAC3 (Rac family small GTPase 3; plus strand). Cytogenetic location: 17q25.3.
Variant type: single nucleotide variant.
Coding change: c.184G>A on transcript NM_005052.3 (MANE Select); coding-DNA position 184, G replaced by A.
Protein change: p.Glu62Lys; replaces glutamic acid 62 with lysine.
Molecular consequence: missense variant.
Genome position (GRCh38, 1-based): chr17:82,032,787, G>A. VCF-style: chr17-82032787-G-A. GRCh37 (hg19) VCF-style: chr17-79990663-G-A.
Other names: c.184G>A, p.Glu62Lys (NM_001316307.2); short protein forms E62K.
Identifiers: ClinVar variation 425149 (VCV000425149.46), dbSNP rs1064797229, ClinGen allele CA16621715.